The following is an entry in ClinVar:

ClinVar aggregate classification (germline): Conflicting classifications of pathogenicity. Review status: criteria provided, conflicting classifications (1 of 4 stars). 5 submissions from 5 submitters: Uncertain significance (3); Likely benign (1). 1 of the submissions does not count toward it. Last evaluated 2026-06-26.

Conditions:
COL12A1-related disorder. Also called: COL12A1-related condition.
Ullrich congenital muscular dystrophy 2 (UCMD2). Identifiers: Orphanet 75840, MedGen C4225314, MONDO:0014654, OMIM 616470.
Bethlem myopathy 2 (BTHLM2). Identifiers: Orphanet 536516, Orphanet 610, MedGen C4225313, MONDO:0034022, OMIM 616471.

Allele frequency attached by ClinVar (database versions not stated): gnomAD exomes below 0.00001; ExAC 0.00001; gnomAD 0.00003; TOPMed 0.00003; ESP Exome Variant Server 0.00008.
gnomAD v4.1: 8 of 1,609,458 alleles (0.0005%); highest among the groups gnomAD compares: African/African-American, 0.0053%; no homozygotes.

Submissions (5):

Women's Health and Genetics/Laboratory Corporation of America, LabCorp
Classification: Uncertain significance. Last evaluated: 2026-06-26. Review status: criteria provided, single submitter. Criteria: LabCorp Variant Classification Summary - May 2015. Collection method: clinical testing. Allele origin: germline.

Labcorp Genetics (formerly Invitae), Labcorp
Classification: Likely benign for Bethlem myopathy 2; Ullrich congenital muscular dystrophy 2. Last evaluated: 2025-12-01. Review status: criteria provided, single submitter. Criteria: Invitae Variant Classification Sherloc (09022015). Collection method: clinical testing. Allele origin: germline.

Revvity Omics, Revvity
Classification: Uncertain significance. Last evaluated: 2024-10-28. Review status: criteria provided, single submitter. Criteria: ACMG Guidelines, 2015. Collection method: clinical testing. Allele origin: germline.

Mayo Clinic Laboratories, Mayo Clinic
Classification: Uncertain significance. Last evaluated: 2024-03-21. Review status: criteria provided, single submitter. Criteria: ACMG Guidelines, 2015. Collection method: clinical testing. Allele origin: germline. Observed: 1 variant allele.
Comment: BP4

PreventionGenetics, part of Exact Sciences
Classification: Uncertain significance for COL12A1-related condition. Last evaluated: 2024-09-10. Review status: no assertion criteria provided. Collection method: clinical testing. Allele origin: germline. Not counted in ClinVar's aggregate classification.
Comment: The COL12A1 c.4675G>A variant is predicted to result in the amino acid substitution p.Val1559Ile. To our knowledge, this variant has not been reported in the literature. This variant is reported in 0.0083% of alleles in individuals of African descent in gnomAD. At this time, the clinical significance of this variant is uncertain due to the absence of conclusive functional and genetic evidence.

NM_004370.6(COL12A1):c.4675G>A (p.Val1559Ile)

Gene: COL12A1 (collagen type XII alpha 1 chain; minus strand). Cytogenetic location: 6q13.
Variant type: single nucleotide variant.
Coding change: c.4675G>A on transcript NM_004370.6 (MANE Select); coding-DNA position 4675, G replaced by A.
Protein change: p.Val1559Ile; replaces valine 1559 with isoleucine.
Molecular consequence: missense variant.
Genome position (GRCh38, 1-based): chr6:75,145,341, C>T on the plus strand (G>A on the coding strand, the complement: COL12A1 is on the minus strand). VCF-style: chr6-75145341-C-T. GRCh37 (hg19) VCF-style: chr6-75855057-C-T.
Other names: p.Val1559Ile; c.1183G>A, p.Val395Ile (NM_080645.3); short protein forms V1559I, V395I.
Identifiers: ClinVar variation 846142 (VCV000846142.14), dbSNP rs373826197, ClinGen allele CA3893386.